The following is an entry in ClinVar:

NM_000414.4(HSD17B4):c.622+15T>A

Gene: HSD17B4 (hydroxysteroid 17-beta dehydrogenase 4; plus strand). Cytogenetic location: 5q23.1.
Variant type: single nucleotide variant.
Coding change: c.622+15T>A on transcript NM_000414.4 (MANE Select); 15 bases into the intron after coding-DNA position 622, T replaced by A.
Molecular consequence: intron variant.
Genome position (GRCh38, 1-based): chr5:119,479,036, T>A. VCF-style: chr5-119479036-T-A. GRCh37 (hg19) VCF-style: chr5-118814731-T-A.
Other names: c.697+15T>A (NM_001199291.3); c.202+15T>A (NM_001292028.2); c.550+15T>A (NM_001292027.2); c.568+15T>A (NM_001199292.2).
Identifiers: ClinVar variation 227437 (VCV000227437.12), dbSNP rs201280286, ClinGen allele CA3381898.

ClinVar aggregate classification (germline): Likely benign. Review status: criteria provided, multiple submitters, no conflicts (2 of 4 stars). 3 submissions from 3 submitters: Likely benign (3). Last evaluated 2026-01-27.

Conditions:
Perrault syndrome. Also called: Gonadal dysgenesis with auditory dysfunction, autosomal recessive inheritance. Identifiers: Orphanet 2855, MedGen C0685838, MONDO:0017312.
Bifunctional peroxisomal enzyme deficiency (DBIF). Also called: D-bifunctional protein deficiency; DBP DEFICIENCY; PBFE DEFICIENCY. Identifiers: Orphanet 300, MedGen C0342870, MONDO:0009855, OMIM 261515. Disease mechanism: loss of function.

Allele frequency attached by ClinVar (database versions not stated): ESP Exome Variant Server 0.00008; gnomAD exomes 0.00013; gnomAD 0.00023 and 0.00024; TOPMed 0.00039; 1000 Genomes Project 0.00040.
gnomAD v4.1: 243 of 1,604,208 alleles (0.015%); highest among the groups gnomAD compares: Middle Eastern, 0.2%; 2 homozygotes.

Submissions (3):

Labcorp Genetics (formerly Invitae), Labcorp
Classification: Likely benign for Perrault syndrome; Bifunctional peroxisomal enzyme deficiency. Last evaluated: 2026-01-27. Review status: criteria provided, single submitter. Criteria: Invitae Variant Classification Sherloc (09022015). Collection method: clinical testing. Allele origin: germline.

Blueprint Genetics
Classification: Likely benign. Last evaluated: 2024-09-24. Review status: criteria provided, single submitter. Criteria: ACMG Guidelines, 2015. Collection method: clinical testing. Allele origin: germline.

Laboratory for Molecular Medicine, Mass General Brigham Personalized Medicine
Classification: Likely benign. Last evaluated: 2016-11-17. Review status: criteria provided, single submitter. Criteria: LMM Criteria. Collection method: clinical testing. Allele origin: germline. Observed: 3 variant alleles.
Comment: c.697+15T>A in intron 9 of HSD17B4: This variant is not expected to have clinica l significance because it is not located within the conserved splice consensus s equence. It has been identified in 7/11452 Latino chromosomes by the Exome Aggre gation Consortium (ExAC; dbSNP rs201280286).